The following is an entry in ClinVar:

NM_014317.5(PDSS1):c.170A>G (p.Tyr57Cys)

Gene: PDSS1 (decaprenyl diphosphate synthase subunit 1; plus strand). Cytogenetic location: 10p12.1.
Variant type: single nucleotide variant.
Coding change: c.170A>G on transcript NM_014317.5 (MANE Select); coding-DNA position 170, A replaced by G.
Protein change: p.Tyr57Cys; replaces tyrosine 57 with cysteine.
Molecular consequence: missense variant. On other transcripts: 5 prime UTR variant (1).
Genome position (GRCh38, 1-based): chr10:26,704,684, A>G. VCF-style: chr10-26704684-A-G. GRCh37 (hg19) VCF-style: chr10-26993613-A-G.
Other names: c.170A>G, p.Tyr57Cys (NM_001321978.2); c.-424A>G (NM_001321979.2); short protein forms Y57C.
Identifiers: ClinVar variation 1929581 (VCV001929581.5), dbSNP rs769708300, ClinGen allele CA5446869.
Genomic context (GRCh38, chr10:26,704,684, plus strand): 5'-TTACAGTTTTTCAGGAATATTCTTACAAGTTTCTTGACATTTTTATTTTATAGATACCCT[A>G]TATTAATCTTGTGAAGCATTTAACATCTGCCTGTCCAAATGTATGTCGTATATCACGGTA-3'
Protein context (NP_055132.2, residues 47-67): RKGLDLSQIP[Tyr57Cys]INLVKHLTSA

ClinVar aggregate classification (germline): Uncertain significance (1 of 4 stars; one submission).

Allele frequency attached by ClinVar (database versions not stated): gnomAD exomes below 0.00001; TOPMed below 0.00001; ExAC 0.00001.
gnomAD v4.1: 5 of 1,333,818 alleles (0.00037%); highest among the groups gnomAD compares: South Asian, 0.0047%; no homozygotes.

Submission:

Labcorp Genetics (formerly Invitae), Labcorp
Classification: Uncertain significance. Last evaluated: 2023-12-11. Review status: criteria provided, single submitter. Criteria: Invitae Variant Classification Sherloc (09022015). Collection method: clinical testing. Allele origin: germline.
Comment: This sequence change replaces tyrosine, which is neutral and polar, with cysteine, which is neutral and slightly polar, at codon 57 of the PDSS1 protein (p.Tyr57Cys). This variant is present in population databases (rs769708300, gnomAD 0.003%). This variant has not been reported in the literature in individuals affected with PDSS1-related conditions. ClinVar contains an entry for this variant (Variation ID: 1929581). Algorithms developed to predict the effect of missense changes on protein structure and function output the following: SIFT: "Not Available"; PolyPhen-2: "Benign"; Align-GVGD: "Not Available". The cysteine amino acid residue is found in multiple mammalian species, which suggests that this missense change does not adversely affect protein function. In summary, the available evidence is currently insufficient to determine the role of this variant in disease. Therefore, it has been classified as a Variant of Uncertain Significance.